The following continues an entry in ClinVar:

NM_001615.4(ACTG2):c.769C>T (p.Arg257Cys)

Gene: ACTG2. ClinVar aggregate classification (germline): Pathogenic. Pathogenic (20).

Submissions 8 to 28 of 28:

Dasa
Classification: Pathogenic for Visceral myopathy 1. Last evaluated: 2022-02-14. Review status: criteria provided, single submitter. Criteria: ACMG Guidelines, 2015. Collection method: clinical testing. Allele origin: germline. Affected: yes. Observed: 1 variant allele.
Comment: The c.769C>T;p.(Arg257Cys) missense variant has been observed in affected individual(s) and ClinVar contains an entry for this variant (ClinVar ID: 132803; OMIM: 102545.0007; PMID: 33294969; 26072522; 31769566) - PS4. The variant is located in a mutational hot spot and/or critical and well-established functional domain (Actin) - PM1. This variant is not present in population databases (rs587777387, gnomAD; ABraOM no frequency) - PM2. Pathogenic missense variant in this residue have been reported (ClinVar ID: 208792 - c.770G>A;p.(Arg257His)) - PM5. The variant was assumed de novo, but without confirmation of paternity and maternity (PMID: 33294969; 31769566) - PM6_strong. Multiple lines of computational evidence support a deleterious effect on the gene or gene product - PP3. In summary, the currently available evidence indicates that the variant is pathogenic.

Blueprint Genetics
Classification: Pathogenic for ACTG2-related disorders. Last evaluated: 2021-12-08. Review status: criteria provided, single submitter. Criteria: ACMG Guidelines, 2015. Collection method: clinical testing. Allele origin: germline. Affected: yes. Observed: 5 variant alleles.

Baylor Genetics
Classification: Pathogenic for Visceral myopathy 1. Last evaluated: 2021-05-07. Review status: criteria provided, single submitter. Criteria: ACMG Guidelines, 2015. Collection method: clinical testing. Allele origin: unknown.

Fulgent Genetics
Classification: Pathogenic for Visceral myopathy 1. Last evaluated: 2018-10-31. Review status: criteria provided, single submitter. Criteria: ACMG Guidelines, 2015. Collection method: clinical testing. Allele origin: unknown.

Gharavi Laboratory, Columbia University
Classification: Pathogenic. Last evaluated: 2018-09-16. Review status: criteria provided, single submitter. Criteria: ACMG Guidelines, 2015. Collection method: research. Allele origin: germline. Affected: yes.

Center for Human Genetics, Inc
Classification: Pathogenic for Visceral neuropathy, familial, autosomal dominant. Last evaluated: 2018-06-01. Review status: criteria provided, single submitter. Criteria: ACMG Guidelines, 2015. Collection method: clinical testing. Allele origin: germline. Affected: yes.

CeGaT Center for Human Genetics Tuebingen
Classification: Pathogenic. Last evaluated: 2017-03-01. Review status: criteria provided, single submitter. Criteria: CeGaT Center For Human Genetics Tuebingen Variant Classification Criteria Version 2. Collection method: clinical testing. Allele origin: germline. Affected: yes. Observed: 1 variant allele.

Lupski Lab, Baylor-Hopkins CMG, Baylor College of Medicine
Classification: Pathogenic for Visceral myopathy 1. Last evaluated: 2014-03-27. Review status: criteria provided, single submitter. Criteria: Wangler et al. PLoS Gen 2014. Collection method: research. Allele origin: de novo, maternal. Inheritance: Autosomal dominant inheritance. Affected: yes. Observed: 4 heterozygotes. Study: MMIHS_WES. Segregation with disease observed.

Broad Center for Mendelian Genomics, Broad Institute of MIT and Harvard
Classification: Pathogenic for Visceral myopathy 1. Review status: criteria provided, single submitter. Criteria: ACMG Guidelines, 2015. Collection method: research. Allele origin: germline. Inheritance: Autosomal dominant inheritance. Affected: yes. Observed: 1 variant allele, 1 heterozygote. Study: Broad Institute Center for Mendelian Genomics (CMG).
Comment: Trio analysis showed this variant to be de novo. The p.Arg257Cys variant is pathogenic based off of multiple reports in ClinVar and the literature.

Clinical Genetics Service, Universitary Hospital 12 de Octubre
Classification: Pathogenic for Megacystis-microcolon-intestinal hypoperistalsis syndrome 5. Review status: criteria provided, single submitter. Criteria: ACMG Guidelines, 2015. Collection method: clinical testing. Allele origin: de novo. Affected: yes.

Juno Genomics, Hangzhou Juno Genomics, Inc
Classification: Pathogenic for Megacystis-microcolon-intestinal hypoperistalsis syndrome 5; Visceral myopathy 1. Review status: criteria provided, single submitter. Criteria: ACMG Guidelines, 2015. Collection method: clinical testing. Allele origin: germline. Affected: yes.
Comment: Absent from controls (or at extremely low frequency if recessive) in Genome Aggregation Database, Exome Sequencing Project, 1000 Genomes Project, or Exome Aggregation Consortium.;The prevalence of the variant in affected individuals is significantly increased compared to the prevalence in controls.;Assumed de novo, but without confirmation of paternity and maternity.;Novel missense change at an amino acid residue where a different missense change determined to be pathogenic has been seen before.;Patient's phenotype or family history is highly specific for a disease with a single genetic etiology.

Seattle Children's Hospital Molecular Genetics Laboratory, Seattle Children's Hospital
Classification: Pathogenic for Visceral myopathy 1. Review status: criteria provided, single submitter. Criteria: ACMG Guidelines, 2015. Collection method: clinical testing. Allele origin: germline. Affected: yes.
Comment: The p.Arg257Cys variant results in substitution of arginine at codon 257 with cysteine within exon 7. This is a recurrent variant that has previously been reported in multiple unrelated individuals with megacystis microcolon intestinal hypoperistalsis syndrome (MMIHS) or chronic intestinal pseudo-obstruction with megacystis (CIPO-M) (PMID: 25998219 and others). This variant is absent from large population studies (gnomAD v4.1.0).

Suma Genomics
Classification: Pathogenic for Megacystis-microcolon-intestinal hypoperistalsis syndrome 5; Visceral myopathy 1. Review status: criteria provided, single submitter. Criteria: ACMG Guidelines, 2015. Collection method: clinical testing. Allele origin: de novo. Inheritance: Autosomal dominant inheritance. Affected: yes.

University of Washington Center for Mendelian Genomics, University of Washington
Classification: Pathogenic for Chronic intestinal pseudoobstruction. Last evaluated: 2017-05-25. Review status: no assertion criteria provided. Collection method: research. Allele origin: unknown. Affected: yes. Observed: 3 heterozygotes. Not counted in ClinVar's aggregate classification.

UOSD Genetics and Genomics of Rare Diseases, Istituto Giannina Gaslini
Classification: Pathogenic for Chronic intestinal pseudoobstruction; Megacystis. Last evaluated: 2015-05-02. Review status: no assertion criteria provided. Collection method: research. Allele origin: germline. Affected: yes. Not counted in ClinVar's aggregate classification.

OMIM
Classification: Pathogenic for MEGACYSTIS-MICROCOLON-INTESTINAL HYPOPERISTALSIS SYNDROME 5. Last evaluated: 2014-03-01. Review status: no assertion criteria provided. Collection method: literature only. Allele origin: germline. Not counted in ClinVar's aggregate classification.

OMIM
Classification: Pathogenic for VISCERAL MYOPATHY 1. Last evaluated: 2014-03-01. Review status: no assertion criteria provided. Collection method: literature only. Allele origin: germline. Not counted in ClinVar's aggregate classification.

Clinical Genetics DNA and cytogenetics Diagnostics Lab, Erasmus MC, Erasmus Medical Center
Classification: Pathogenic. Review status: no assertion criteria provided. Collection method: clinical testing. Allele origin: germline. Affected: yes. Study: VKGL Data-share Consensus. Not counted in ClinVar's aggregate classification.

GeneReviews
No classification provided. Condition: Visceral myopathy 1. Review status: no classification provided. Collection method: literature only. Allele origin: germline. Not counted in ClinVar's aggregate classification.
Comment: High rate of a poor outcome (mortality and/or multivisceral transplantation) or microcolon

Joint Genome Diagnostic Labs from Nijmegen and Maastricht, Radboudumc and MUMC+
Classification: Pathogenic. Review status: no assertion criteria provided. Collection method: clinical testing. Allele origin: germline. Affected: yes. Study: VKGL Data-share Consensus. Not counted in ClinVar's aggregate classification.

Seattle Children's Hospital Molecular Genetics Laboratory, Seattle Children's Hospital
Classification: Pathogenic for Megacystis-microcolon-intestinal hypoperistalsis syndrome 5. Review status: no assertion criteria provided. Collection method: clinical testing. Allele origin: germline. Affected: yes. Not counted in ClinVar's aggregate classification.

Literature cited by the submitters: PubMed 24676022 (cited by 6 submitters); PubMed 33294969 (cited by 3 submitters); PubMed 31769566 (cited by 4 submitters); PubMed 26072522 (cited by 5 submitters); PubMed 24901346 (cited by 3billion); PubMed 26813947 (cited by Variantyx, Inc. and UOSD Genetics and Genomics of Rare Diseases, Istituto Giannina Gaslini); PubMed 38820162 (cited by Variantyx, Inc.); PubMed 26647307 (cited by Victorian Clinical Genetics Services, Murdoch Childrens Research Institute); PubMed 29781137 (cited by Victorian Clinical Genetics Services, Murdoch Childrens Research Institute and OMIM); PubMed 32814715 (cited by Victorian Clinical Genetics Services, Murdoch Childrens Research Institute); PubMed 28422808 (cited by University of Washington Center for Mendelian Genomics, University of Washington and OMIM); PubMed 25998219 (cited by UOSD Genetics and Genomics of Rare Diseases, Istituto Giannina Gaslini); PubMed 24337657 (cited by UOSD Genetics and Genomics of Rare Diseases, Istituto Giannina Gaslini).